The following is an entry in ClinVar:

ClinVar aggregate classification (germline): Benign (1 of 4 stars; one submission).

Conditions:
Rhizomelic chondrodysplasia punctata type 3 (RCDP3). Also called: ALKYLDIHYDROXYACETONEPHOSPHATE SYNTHASE DEFICIENCY; Alkylglycerone Phosphate Synthase (AGPS) deficiency. Identifiers: Orphanet 177, Orphanet 309803, MedGen C1838612, MONDO:0010823, OMIM 600121. Disease mechanism: loss of function.

Allele frequency attached by ClinVar (database versions not stated): gnomAD 0.02017; TOPMed 0.02204; 1000 Genomes Project 0.03335; 1000 Genomes Project 30x 0.03482.

Submission:

Illumina Laboratory Services, Illumina
Classification: Benign for Rhizomelic chondrodysplasia punctata type 3. Last evaluated: 2018-01-12. Review status: criteria provided, single submitter. Criteria: ICSL Variant Classification Criteria 13 December 2019. Collection method: clinical testing. Allele origin: germline.
Comment: This variant was observed in the ICSL laboratory as part of a predisposition screen in an ostensibly healthy population. It had not been previously curated by ICSL or reported in the Human Gene Mutation Database (HGMD: prior to June 1st, 2018), and was therefore a candidate for classification through an automated scoring system. Utilizing variant allele frequency, disease prevalence and penetrance estimates, and inheritance mode, an automated score was calculated to assess if this variant is too frequent to cause the disease. Based on the score and internal cut-off values, a variant classified as benign is not then subjected to further curation. The score for this variant resulted in a classification of benign for this disease.

NM_003659.4(AGPS):c.*4618A>G

Gene: AGPS (alkylglycerone phosphate synthase; plus strand). Cytogenetic location: 2q31.2.
Variant type: single nucleotide variant.
Coding change: c.*4618A>G on transcript NM_003659.4 (MANE Select); 4618 bases downstream of the stop codon, A replaced by G.
Molecular consequence: 3 prime UTR variant.
Genome position (GRCh38, 1-based): chr2:177,542,813, A>G. VCF-style: chr2-177542813-A-G. GRCh37 (hg19) VCF-style: chr2-178407541-A-G.
Identifiers: ClinVar variation 332594 (VCV000332594.5), dbSNP rs75827012, ClinGen allele CA10613169.